The following is an entry in ClinVar:

NM_000020.3(ACVRL1):c.900del (p.Arg301fs)

Gene: ACVRL1 (activin A receptor like type 1; plus strand). Cytogenetic location: 12q13.13.
Variant type: Deletion.
Coding change: c.900del on transcript NM_000020.3 (MANE Select); coding-DNA position 900, one base deleted (G; older notation c.900delG).
Protein change: p.Arg301fs; shifts the reading frame from arginine 301.
Molecular consequence: frameshift variant.
Genome position (GRCh38, 1-based): chr12:51,915,352, G deleted. VCF-style (leftmost placement, unchanged base first): chr12-51915351-TG-T. GRCh37 (hg19) VCF-style: chr12-52309135-TG-T.
Other names: c.900del, p.Arg301fs (NM_001077401.2); c.900delG, p.Arg301Glyfs (NM_001406487.1, NM_001406488.1, NM_001406489.1); c.588delG, p.Arg197Glyfs (NM_001406490.1, NM_001406491.1, NM_001406492.1 and 2 more transcripts); c.336delG, p.Arg113Glyfs (NM_001406495.1); short protein forms R301fs.
Identifiers: ClinVar variation 1765461 (VCV001765461.2), dbSNP rs2540164407, ClinGen allele CA2580086482.

ClinVar aggregate classification (germline): Pathogenic (1 of 4 stars; one submission).

Conditions:
Cardiovascular phenotype. Identifiers: MedGen CN230736.

Submission:

Ambry Genetics
Classification: Pathogenic for Cardiovascular phenotype. Last evaluated: 2021-05-06. Review status: criteria provided, single submitter. Criteria: Ambry Variant Classification Scheme 2023. Collection method: clinical testing. Allele origin: germline.
Comment: The c.900delG pathogenic mutation, located in coding exon 6 of the ACVRL1 gene, results from a deletion of one nucleotide at nucleotide position 900, causing a translational frameshift with a predicted alternate stop codon (p.R301Gfs*2). This alteration is expected to result in loss of function by premature protein truncation or nonsense-mediated mRNA decay. As such, this alteration is interpreted as a disease-causing mutation.